The following is an entry in ClinVar:

ClinVar aggregate classification (germline): Pathogenic (1 of 4 stars; one submission).

Conditions:
Actin accumulation myopathy (CMYO2A). Also called: CONGENITAL MYOPATHY 2A, TYPICAL, AUTOSOMAL DOMINANT; Nemaline myopathy type 3; Myopathy, actin, congenital, with excess of thin myofilaments; Myopathy, actin, congenital, with cores; Nemaline myopathy 3, with intranuclear rods. Identifiers: Orphanet 98904, MedGen C3711389, MONDO:0008070, OMIM 161800.

Submission:

Labcorp Genetics (formerly Invitae), Labcorp
Classification: Pathogenic for Actin accumulation myopathy. Last evaluated: 2021-09-02. Review status: criteria provided, single submitter. Criteria: Invitae Variant Classification Sherloc (09022015). Collection method: clinical testing. Allele origin: germline.
Comment: For these reasons, this variant has been classified as Pathogenic. Experimental studies have shown that this missense change affects ACTA1 function (PMID: 15226407). Advanced modeling of protein sequence and biophysical properties (such as structural, functional, and spatial information, amino acid conservation, physicochemical variation, residue mobility, and thermodynamic stability) performed at Invitae indicates that this missense variant is expected to disrupt ACTA1 protein function. This variant is also known as Asn280Lys. This missense change has been observed in individual(s) with nemaline myopathy (PMID: 10508519). In at least one individual the variant was observed to be de novo. This variant is not present in population databases (ExAC no frequency). This sequence change replaces asparagine with lysine at codon 282 of the ACTA1 protein (p.Asn282Lys). The asparagine residue is highly conserved and there is a moderate physicochemical difference between asparagine and lysine.

Literature cited by the submitters: PubMed 15226407; PubMed 10508519.

NM_001100.4(ACTA1):c.846C>G (p.Asn282Lys)

Gene: ACTA1 (actin alpha 1, skeletal muscle; minus strand). Cytogenetic location: 1q42.13.
Variant type: single nucleotide variant.
Coding change: c.846C>G on transcript NM_001100.4 (MANE Select); coding-DNA position 846, C replaced by G.
Protein change: p.Asn282Lys; replaces asparagine 282 with lysine.
Molecular consequence: missense variant.
Genome position (GRCh38, 1-based): chr1:229,431,865, G>C on the plus strand (C>G on the coding strand, the complement: ACTA1 is on the minus strand). VCF-style: chr1-229431865-G-C. GRCh37 (hg19) VCF-style: chr1-229567612-G-C.
Other names: short protein forms N282K.
Identifiers: ClinVar variation 1457951 (VCV001457951.6), dbSNP rs2102735270, ClinGen allele CA345146088.
Genomic context (GRCh38, chr1:229,431,865, plus strand): 5'-CGACATGACGTTGTTGGCATACAGGTCCTTCCTGATGTCGATGTCACACTTCATGATGCT[G>C]TTGTAGGTGGTCTCGTGAATGCCCGCCGACTCCATACCTGGGGACCGCGGCGGGGAGCGT-3'
Protein context (NP_001091.1, residues 272-292): ESAGIHETTY[Asn282Lys]SIMKCDIDIR